The following is an entry in ClinVar:

NM_017649.5(CNNM2):c.1793C>T (p.Ala598Val)

Gene: CNNM2 (cyclin and CBS domain divalent metal cation transport mediator 2; plus strand). Cytogenetic location: 10q24.32.
Variant type: single nucleotide variant.
Coding change: c.1793C>T on transcript NM_017649.5 (MANE Select); coding-DNA position 1793, C replaced by T.
Protein change: p.Ala598Val; replaces alanine 598 with valine.
Molecular consequence: missense variant.
Genome position (GRCh38, 1-based): chr10:103,054,356, C>T. VCF-style: chr10-103054356-C-T. GRCh37 (hg19) VCF-style: chr10-104814113-C-T.
Other names: c.1793C>T, p.Ala598Val (NM_199076.3); short protein forms A598V.
Identifiers: ClinVar variation 3664373 (VCV003664373.2).

ClinVar aggregate classification (germline): Uncertain significance (1 of 4 stars; one submission).

Submission:

Labcorp Genetics (formerly Invitae), Labcorp
Classification: Uncertain significance. Last evaluated: 2024-09-03. Review status: criteria provided, single submitter. Criteria: Invitae Variant Classification Sherloc (09022015). Collection method: clinical testing. Allele origin: germline.
Comment: This sequence change replaces alanine, which is neutral and non-polar, with valine, which is neutral and non-polar, at codon 598 of the CNNM2 protein (p.Ala598Val). This variant is not present in population databases (gnomAD no frequency). This variant has not been reported in the literature in individuals affected with CNNM2-related conditions. Invitae Evidence Modeling of protein sequence and biophysical properties (such as structural, functional, and spatial information, amino acid conservation, physicochemical variation, residue mobility, and thermodynamic stability) indicates that this missense variant is not expected to disrupt CNNM2 protein function with a negative predictive value of 80%. In summary, the available evidence is currently insufficient to determine the role of this variant in disease. Therefore, it has been classified as a Variant of Uncertain Significance.